The following is an entry in ClinVar:

NM_181486.4(TBX5):c.1546G>A (p.Asp516Asn)

Gene: TBX5 (T-box transcription factor 5; minus strand). Cytogenetic location: 12q24.21.
Variant type: single nucleotide variant.
Coding change: c.1546G>A on transcript NM_181486.4 (MANE Select); coding-DNA position 1546, G replaced by A.
Protein change: p.Asp516Asn; replaces aspartic acid 516 with asparagine.
Molecular consequence: missense variant.
Genome position (GRCh38, 1-based): chr12:114,355,543, C>T on the plus strand (G>A on the coding strand, the complement: TBX5 is on the minus strand). VCF-style: chr12-114355543-C-T. GRCh37 (hg19) VCF-style: chr12-114793348-C-T.
Other names: c.1546G>A, p.Asp516Asn (NM_000192.3); c.1396G>A, p.Asp466Asn (NM_080717.4); short protein forms D466N, D516N.
Identifiers: ClinVar variation 1774943 (VCV001774943.8), dbSNP rs200354838, ClinGen allele CA6809317.
Genomic context (GRCh38, chr12:114,355,543, plus strand): 5'-CTCTCTCTCTCTTTCTCTAGGAAATGTCTGTTGTGAAGCAGGCCTCACTTTAGCTATTGT[C>T]GCTCCACTCTGGCACCATGCCAACTCCGTGCACAGAGTGGTACTGATGAGGGGATAGAGT-3'
Protein context (NP_852259.1, residues 506-518): HGVGMVPEWS[Asp516Asn]NS

ClinVar aggregate classification (germline): Conflicting classifications of pathogenicity. Review status: criteria provided, conflicting classifications (1 of 4 stars). 3 submissions from 3 submitters: Uncertain significance (2); Likely benign (1). Last evaluated 2023-10-09.

Conditions:
Aortic valve disease 2 (AOVD2). Identifiers: MedGen C3542024, MONDO:0013902, OMIM 614823.
Cardiovascular phenotype. Identifiers: MedGen CN230736.

Allele frequency attached by ClinVar (database versions not stated): gnomAD exomes 0.00001; ExAC 0.00003; gnomAD 0.00003; TOPMed 0.00003; 1000 Genomes Project 0.00020; 1000 Genomes Project 30x 0.00031.
gnomAD v4.1: 19 of 1,614,052 alleles (0.0012%); highest among the groups gnomAD compares: East Asian, 0.0022%; no homozygotes.

Submissions (3):

Blueprint Genetics
Classification: Likely benign. Last evaluated: 2023-10-09. Review status: criteria provided, single submitter. Criteria: ACMG Guidelines, 2015. Collection method: clinical testing. Allele origin: germline.

Ambry Genetics
Classification: Uncertain significance for Cardiovascular phenotype. Last evaluated: 2022-07-14. Review status: criteria provided, single submitter. Criteria: Ambry Variant Classification Scheme 2023. Collection method: clinical testing. Allele origin: germline.
Comment: The p.D516N variant (also known as c.1546G>A), located in coding exon 8 of the TBX5 gene, results from a G to A substitution at nucleotide position 1546. The aspartic acid at codon 516 is replaced by asparagine, an amino acid with highly similar properties. This amino acid position is conserved. In addition, this alteration is predicted to be tolerated by in silico analysis. Since supporting evidence is limited at this time, the clinical significance of this alteration remains unclear.

Labcorp Genetics (formerly Invitae), Labcorp
Classification: Uncertain significance for Aortic valve disease 2. Last evaluated: 2022-01-11. Review status: criteria provided, single submitter. Criteria: Invitae Variant Classification Sherloc (09022015). Collection method: clinical testing. Allele origin: germline.
Comment: Advanced modeling of protein sequence and biophysical properties (such as structural, functional, and spatial information, amino acid conservation, physicochemical variation, residue mobility, and thermodynamic stability) performed at Invitae indicates that this missense variant is not expected to disrupt TBX5 protein function. In summary, the available evidence is currently insufficient to determine the role of this variant in disease. Therefore, it has been classified as a Variant of Uncertain Significance. This sequence change replaces aspartic acid, which is acidic and polar, with asparagine, which is neutral and polar, at codon 516 of the TBX5 protein (p.Asp516Asn). This variant is present in population databases (rs200354838, gnomAD 0.003%). This variant has not been reported in the literature in individuals affected with TBX5-related conditions.